The following is an entry in ClinVar:

ClinVar aggregate classification (germline): Uncertain significance (1 of 4 stars; one submission).

Conditions:
KIDINS220-related disorder. Also called: KIDINS220-related condition.

Submission:

PreventionGenetics, part of Exact Sciences
Classification: Uncertain significance for KIDINS220-related condition. Last evaluated: 2025-09-03. Review status: criteria provided, single submitter. Criteria: ACMG Guidelines, 2015. Collection method: clinical testing. Allele origin: germline.
Comment: The KIDINS220 c.4532G>A variant is predicted to result in the amino acid substitution p.Gly1511Glu. To our knowledge, this variant has not been reported in the literature or in a large population database (gnomAD), indicating this variant is rare. At this time, the clinical significance of this variant is uncertain due to the absence of conclusive functional and genetic evidence.

NM_020738.4(KIDINS220):c.4532G>A (p.Gly1511Glu)

Gene: KIDINS220 (kinase D interacting substrate 220; minus strand). Cytogenetic location: 2p25.1.
Variant type: single nucleotide variant.
Coding change: c.4532G>A on transcript NM_020738.4 (MANE Select); coding-DNA position 4532, G replaced by A.
Protein change: p.Gly1511Glu; replaces glycine 1511 with glutamic acid.
Molecular consequence: missense variant. On other transcripts: intron variant (6).
Genome position (GRCh38, 1-based): chr2:8,731,504, C>T on the plus strand (G>A on the coding strand, the complement: KIDINS220 is on the minus strand). VCF-style: chr2-8731504-C-T. GRCh37 (hg19) VCF-style: chr2-8871634-C-T.
Other names: c.4535G>A, p.Gly1512Glu (NM_001348729.2); c.4478G>A, p.Gly1493Glu (NM_001348731.2); c.4475G>A, p.Gly1492Glu (NM_001348732.2); c.4364G>A, p.Gly1455Glu (NM_001348734.2); c.4361G>A, p.Gly1454Glu (NM_001348735.2); c.4235G>A, p.Gly1412Glu (NM_001348736.2); c.3882+1940G>A (NM_001348741.2, NM_001348742.2, NM_001348743.2); c.3996+1940G>A (NM_001348738.2); and 1 more; short protein forms G1511E, G1412E, G1454E, G1455E, G1492E, G1493E, G1512E.
Identifiers: ClinVar variation 4994356 (VCV004994356.1).